The following is an entry in ClinVar:

NM_000834.5(GRIN2B):c.1223T>C (p.Ile408Thr)

Gene: GRIN2B (glutamate ionotropic receptor NMDA type subunit 2B; minus strand). Cytogenetic location: 12p13.1.
Variant type: single nucleotide variant.
Coding change: c.1223T>C on transcript NM_000834.5 (MANE Select); coding-DNA position 1223, T replaced by C.
Protein change: p.Ile408Thr; replaces isoleucine 408 with threonine.
Molecular consequence: missense variant.
Genome position (GRCh38, 1-based): chr12:13,616,560, A>G on the plus strand (T>C on the coding strand, the complement: GRIN2B is on the minus strand). VCF-style: chr12-13616560-A-G. GRCh37 (hg19) VCF-style: chr12-13769494-A-G.
Other names: c.1223T>C, p.Ile408Thr (NM_001413992.1); short protein forms I408T.
Identifiers: ClinVar variation 2946794 (VCV002946794.3), dbSNP rs2497602512, ClinGen allele CA384052671.

ClinVar aggregate classification (germline): Pathogenic (1 of 4 stars; one submission).

Conditions:
Intellectual developmental disorder, autosomal dominant 6, with or without seizures. Also called: GRIN2B-related developmental delay, intellectual disability and autism spectrum disorder; Intellectual disability, autosomal dominant 6. Identifiers: Orphanet 589547, MedGen C3151411, MONDO:0013509, OMIM 613970.
Developmental and epileptic encephalopathy, 27 (DEE27). Also called: Epileptic encephalopathy, early infantile, 27; GRIN2B-Related Neurodevelopmental Disorder. Identifiers: Orphanet 3451, MedGen C4015316, MONDO:0014505, OMIM 616139.

Submission:

Labcorp Genetics (formerly Invitae), Labcorp
Classification: Pathogenic for Developmental and epileptic encephalopathy, 27; Intellectual developmental disorder, autosomal dominant 6, with or without seizures. Last evaluated: 2023-09-29. Review status: criteria provided, single submitter. Criteria: Invitae Variant Classification Sherloc (09022015). Collection method: clinical testing. Allele origin: germline.
Comment: This sequence change replaces isoleucine, which is neutral and non-polar, with threonine, which is neutral and polar, at codon 408 of the GRIN2B protein (p.Ile408Thr). This variant is not present in population databases (gnomAD no frequency). This missense change has been observed in individual(s) with GRIN2B-related conditions (Invitae). In at least one individual the variant was observed to be de novo. Advanced modeling of protein sequence and biophysical properties (such as structural, functional, and spatial information, amino acid conservation, physicochemical variation, residue mobility, and thermodynamic stability) performed at Invitae indicates that this missense variant is expected to disrupt GRIN2B protein function. For these reasons, this variant has been classified as Pathogenic.